The following is an entry in ClinVar:

NM_004982.4(KCNJ8):c.465C>T (p.Ala155=)

Genes: KCNJ8 (potassium inwardly rectifying channel subfamily J member 8; minus strand), KCNJ8-AS1 (KCNJ8 antisense RNA 1; plus strand). Cytogenetic location: 12p12.1.
Variant type: single nucleotide variant.
Coding change: c.465C>T on transcript NM_004982.4 (MANE Select); coding-DNA position 465, C replaced by T.
Protein change: p.Ala155=; no amino-acid change (alanine 155 retained).
Molecular consequence: synonymous variant.
Genome position (GRCh38, 1-based): chr12:21,766,533, G>A on the plus strand (C>T on the coding strand, the complement: KCNJ8 is on the minus strand). VCF-style: chr12-21766533-G-A. GRCh37 (hg19) VCF-style: chr12-21919467-G-A.
Identifiers: ClinVar variation 381495 (VCV000381495.2), dbSNP rs1057521051, ClinGen allele CA16606233.
Genomic context (GRCh38, chr12:21,766,533, plus strand): 5'-GCCTAACATGACTGCATTGATGATCAAACCCACAATATTCTGGAGAATCAAAACCGTGAT[G>A]GCCAAAGGGCATTCCTCTGTCATCATCCTCCCTCCAAACCCAATGGTAACTTGAACTTCA-3'
Protein context (NP_004973.1, residues 145-165): GRMMTEECPL[Ala155=]ITVLILQNIV

ClinVar aggregate classification (germline): Likely benign. Review status: criteria provided, multiple submitters, no conflicts (2 of 4 stars). 2 submissions from 2 submitters: Likely benign (2). Last evaluated 2023-10-05.

Conditions:
Cardiovascular phenotype. Identifiers: MedGen CN230736.

Allele frequency attached by ClinVar (database versions not stated): gnomAD exomes below 0.00001.
gnomAD v4.1: 4 of 1,611,470 alleles (0.00025%); highest among the groups gnomAD compares: Non-Finnish European, 0.00034%; no homozygotes.

Submissions (2):

Ambry Genetics
Classification: Likely benign for Cardiovascular phenotype. Last evaluated: 2023-10-05. Review status: criteria provided, single submitter. Criteria: Ambry Variant Classification Scheme 2023. Collection method: clinical testing. Allele origin: germline.

GeneDx
Classification: Likely benign. Last evaluated: 2015-11-17. Review status: criteria provided, single submitter. Criteria: GeneDx Variant Classification (06012015). Collection method: clinical testing. Allele origin: germline. Affected: yes.
Comment: This variant is considered likely benign or benign based on one or more of the following criteria: it is a conservative change, it occurs at a poorly conserved position in the protein, it is predicted to be benign by multiple in silico algorithms, and/or has population frequency not consistent with disease.